The following is an entry in ClinVar:

NM_004239.4(TRIP11):c.2366A>G (p.His789Arg)

Gene: TRIP11 (thyroid hormone receptor interactor 11; minus strand). Cytogenetic location: 14q32.12.
Variant type: single nucleotide variant.
Coding change: c.2366A>G on transcript NM_004239.4 (MANE Select); coding-DNA position 2366, A replaced by G.
Protein change: p.His789Arg; replaces histidine 789 with arginine.
Molecular consequence: missense variant.
Genome position (GRCh38, 1-based): chr14:92,005,610, T>C on the plus strand (A>G on the coding strand, the complement: TRIP11 is on the minus strand). VCF-style: chr14-92005610-T-C. GRCh37 (hg19) VCF-style: chr14-92471954-T-C.
Other names: c.2363A>G, p.His788Arg (NM_001321851.1); short protein forms H788R, H789R.
Identifiers: ClinVar variation 3182911 (VCV003182911.4), dbSNP rs139118524, ClinGen allele CA7313787.

ClinVar aggregate classification (germline): Uncertain significance. Review status: criteria provided, multiple submitters, no conflicts (2 of 4 stars). 3 submissions from 3 submitters: Uncertain significance (3). Last evaluated 2024-10-28.

Conditions:
Inborn genetic diseases. Identifiers: MedGen C0950123, MeSH D030342.
Achondrogenesis, type IA (ACG1A). Identifiers: Orphanet 932, Orphanet 93299, MedGen C0265273, MONDO:0008701, OMIM 200600.

Allele frequency attached by ClinVar (database versions not stated): gnomAD exomes 0.00001; ExAC 0.00002; gnomAD 0.00005; TOPMed 0.00005; ESP Exome Variant Server 0.00015.
gnomAD v4.1: 23 of 1,613,766 alleles (0.0014%); highest among the groups gnomAD compares: African/African-American, 0.02%; no homozygotes.

Submissions (3):

GeneDx
Classification: Uncertain significance. Last evaluated: 2024-10-28. Review status: criteria provided, single submitter. Criteria: GeneDx Variant Classification Process June 2021. Collection method: clinical testing. Allele origin: germline. Affected: yes.
Comment: In silico analysis supports that this missense variant has a deleterious effect on protein structure/function; Has not been previously published as pathogenic or benign to our knowledge

Labcorp Genetics (formerly Invitae), Labcorp
Classification: Uncertain significance for Achondrogenesis, type IA. Last evaluated: 2024-09-16. Review status: criteria provided, single submitter. Criteria: Invitae Variant Classification Sherloc (09022015). Collection method: clinical testing. Allele origin: germline.
Comment: This sequence change replaces histidine, which is basic and polar, with arginine, which is basic and polar, at codon 789 of the TRIP11 protein (p.His789Arg). This variant is present in population databases (rs139118524, gnomAD 0.02%). This variant has not been reported in the literature in individuals affected with TRIP11-related conditions. Invitae Evidence Modeling of protein sequence and biophysical properties (such as structural, functional, and spatial information, amino acid conservation, physicochemical variation, residue mobility, and thermodynamic stability) indicates that this missense variant is not expected to disrupt TRIP11 protein function with a negative predictive value of 80%. In summary, the available evidence is currently insufficient to determine the role of this variant in disease. Therefore, it has been classified as a Variant of Uncertain Significance.

Ambry Genetics
Classification: Uncertain significance for Inborn genetic diseases. Last evaluated: 2023-12-09. Review status: criteria provided, single submitter. Criteria: Ambry Variant Classification Scheme 2023. Collection method: clinical testing. Allele origin: germline.